The following is an entry in ClinVar:

NM_001134407.3(GRIN2A):c.1655C>A (p.Pro552Gln)

Gene: GRIN2A (glutamate ionotropic receptor NMDA type subunit 2A; minus strand). Cytogenetic location: 16p13.2.
Variant type: single nucleotide variant.
Coding change: c.1655C>A on transcript NM_001134407.3 (MANE Select); coding-DNA position 1655, C replaced by A.
Protein change: p.Pro552Gln; replaces proline 552 with glutamine.
Molecular consequence: missense variant.
Genome position (GRCh38, 1-based): chr16:9,834,227, G>T on the plus strand (C>A on the coding strand, the complement: GRIN2A is on the minus strand). VCF-style: chr16-9834227-G-T. GRCh37 (hg19) VCF-style: chr16-9928084-G-T.
Other names: c.1655C>A, p.Pro552Gln (NM_000833.5, NM_001134408.2); short protein forms P552Q.
Identifiers: ClinVar variation 871812 (VCV000871812.43), dbSNP rs397518450, ClinGen allele CA394800148.

ClinVar aggregate classification (germline): Likely pathogenic. Review status: criteria provided, multiple submitters, no conflicts (2 of 4 stars). 2 submissions from 2 submitters: Likely pathogenic (2). Last evaluated 2024-07-26.

Conditions:
Landau-Kleffner syndrome (FESD). Also called: APHASIA, ACQUIRED, WITH EPILEPSY; EPILEPSY, FOCAL, WITH SPEECH DISORDER AND WITH OR WITHOUT MENTAL RETARDATION. Identifiers: Orphanet 1945, Orphanet 725, Orphanet 98818, MedGen C0282512, MONDO:0009509, OMIM 245570.

Submissions (2):

Institute of Human Genetics, University of Leipzig Medical Center
Classification: Likely pathogenic for Landau-Kleffner syndrome. Last evaluated: 2024-07-26. Review status: criteria provided, single submitter. Criteria: ACMG Guidelines, 2015. Collection method: clinical testing. Allele origin: maternal. Inheritance: Autosomal dominant inheritance. Affected: yes.
Comment: Criteria applied: PM1,PM2,PM5,PS4_SUP

CeGaT Center for Human Genetics Tuebingen
Classification: Likely pathogenic. Last evaluated: 2019-12-01. Review status: criteria provided, single submitter. Criteria: CeGaT Center For Human Genetics Tuebingen Variant Classification Criteria Version 2. Collection method: clinical testing. Allele origin: germline. Affected: yes. Observed: 1 variant allele.